The following is an entry in ClinVar:

ClinVar aggregate classification (germline): Pathogenic/Likely pathogenic. Review status: criteria provided, multiple submitters, no conflicts (2 of 4 stars). 3 submissions from 3 submitters: Pathogenic (2); Likely pathogenic (1). Last evaluated 2025-05-12.

Conditions:
Marfan syndrome (MFS). Also called: Marfan syndrome, classic; MARFAN SYNDROME, TYPE I; Marfan syndrome type 1; Marfan's syndrome; FBN1-Related Marfan Syndrome. Identifiers: Orphanet 284963, Orphanet 558, MedGen C0024796, MONDO:0007947, OMIM 154700.
Familial thoracic aortic aneurysm and aortic dissection (TAAD). Also called: Thoracic aortic aneurysms and dissections. Identifiers: Orphanet 91387, MedGen C4707243, MONDO:0019625.

Submissions (3):

Dasa
Classification: Pathogenic. Last evaluated: 2025-05-12. Review status: criteria provided, single submitter. Criteria: DASA Assertion Criteria. Collection method: clinical testing. Allele origin: germline.
Comment: NM_000138.5(FBN1):c.2741G>A (p.Cys914Tyr) is a missense variant that results in the substitution of cysteine with tyrosine. The affected residue or protein region has prior evidence supporting clinical relevance. Functional evidence supports a deleterious effect on the gene or gene product (PMID: 27906200; PMID: 31730815; PMID: 37042257). This variant has been recurrently observed in individuals with related phenotype (PMID: 27906200; PMID: 31730815; PMID: 37042257). Multiple computational predictions support a deleterious effect on the gene or gene product. The variant is present at low frequency in population datasets. Based on the available data, this variant is classified as pathogenic.

Labcorp Genetics (formerly Invitae), Labcorp
Classification: Pathogenic for Marfan syndrome; Familial thoracic aortic aneurysm and aortic dissection. Last evaluated: 2025-02-12. Review status: criteria provided, single submitter. Criteria: Invitae Variant Classification Sherloc (09022015). Collection method: clinical testing. Allele origin: germline.
Comment: This sequence change replaces cysteine, which is neutral and slightly polar, with tyrosine, which is neutral and polar, at codon 914 of the FBN1 protein (p.Cys914Tyr). This variant is not present in population databases (gnomAD no frequency). This missense change has been observed in individual(s) with Marfan syndrome (PMID: 27906200, 31730815). ClinVar contains an entry for this variant (Variation ID: 1687323). Invitae Evidence Modeling of protein sequence and biophysical properties (such as structural, functional, and spatial information, amino acid conservation, physicochemical variation, residue mobility, and thermodynamic stability) indicates that this missense variant is expected to disrupt FBN1 protein function with a positive predictive value of 95%. This variant affects a cysteine residue in the EGF-like, TGFBP or hybrid motif domains of FBN1. Cysteine residues are believed to be involved in intramolecular disulfide bridges and have been shown to be important for FBN1 protein structure (PMID: 16905551, 19349279). In addition, missense substitutions affecting cysteine residues within these domains are significantly overrepresented among patients with Marfan syndrome (PMID: 16571647, 17701892). For these reasons, this variant has been classified as Pathogenic.

3billion
Classification: Likely pathogenic for Marfan syndrome. Last evaluated: 2022-05-22. Review status: criteria provided, single submitter. Criteria: ACMG Guidelines, 2015. Collection method: clinical testing. Allele origin: germline. Affected: yes. Observed: 1 heterozygote.
Comment: The variant is not observed in the gnomAD v2.1.1 dataset. In silico tool predictions suggest damaging effect of the variant on gene or gene product (REVEL: 0.99; 3Cnet: 1.00). Same nucleotide change resulting in same amino acid change has been previously reported to be associated with FBN1 related disorder (PMID: 27906200). Different missense changes at the same codon (p.Cys914Arg, p.Cys914Gly) have been reported as pathogenic/likely pathogenic with strong evidence (ClinVar ID: VCV000520236, VCV000652247). Therefore, this variant is classified as likely pathogenic according to the recommendation of ACMG/AMP guideline.

Literature cited by the submitters: PubMed 27906200 (cited by 3 submitters); PubMed 31730815 (cited by Dasa and Labcorp Genetics (formerly Invitae), Labcorp); PubMed 37042257 (cited by Dasa); PubMed 16905551 (cited by Labcorp Genetics (formerly Invitae), Labcorp); PubMed 19349279 (cited by Labcorp Genetics (formerly Invitae), Labcorp); PubMed 16571647 (cited by Labcorp Genetics (formerly Invitae), Labcorp); PubMed 17701892 (cited by Labcorp Genetics (formerly Invitae), Labcorp).

NM_000138.5(FBN1):c.2741G>A (p.Cys914Tyr)

Gene: FBN1 (fibrillin 1; minus strand). Cytogenetic location: 15q21.1.
Variant type: single nucleotide variant.
Coding change: c.2741G>A on transcript NM_000138.5 (MANE Select); coding-DNA position 2741, G replaced by A.
Protein change: p.Cys914Tyr; replaces cysteine 914 with tyrosine.
Molecular consequence: missense variant.
Genome position (GRCh38, 1-based): chr15:48,492,574, C>T on the plus strand (G>A on the coding strand, the complement: FBN1 is on the minus strand). VCF-style: chr15-48492574-C-T. GRCh37 (hg19) VCF-style: chr15-48784771-C-T.
Other names: short protein forms C914Y.
Identifiers: ClinVar variation 1687323 (VCV001687323.5), dbSNP rs2141300503, ClinGen allele CA392330872.